The following is an entry in ClinVar:

ClinVar aggregate classification (germline): Uncertain significance (1 of 4 stars; one submission).

Conditions:
Developmental and epileptic encephalopathy. Identifiers: MedGen C5779964, MONDO:0100620.

Submission:

Labcorp Genetics (formerly Invitae), Labcorp
Classification: Uncertain significance for Early-infantile DEE. Last evaluated: 2023-04-27. Review status: criteria provided, single submitter. Criteria: Invitae Variant Classification Sherloc (09022015). Collection method: clinical testing. Allele origin: unknown.
Comment: In summary, the available evidence is currently insufficient to determine the role of this variant in disease. Therefore, it has been classified as a Variant of Uncertain Significance. Experimental studies and prediction algorithms are not available or were not evaluated, and the functional significance of this variant is currently unknown. This variant has not been reported in the literature in individuals affected with KCNQ2-related conditions. This variant results in a copy number gain of the genomic region encompassing exon(s) 11-17 of the KCNQ2 gene. This region includes the termination codon of the gene. This copy number gain extends beyond the assayed region for this gene and therefore may encompass additional genes. As the precise location of this event is unknown, it may be in tandem or it may be located elsewhere in the genome.

NC_000020.10:g.(?_61978090)_(62055579_?)dup

Genes: CHRNA4 (cholinergic receptor nicotinic alpha 4 subunit; minus strand), KCNQ2 (potassium voltage-gated channel subfamily Q member 2; minus strand). Cytogenetic location: 20q13.33.
Variant type: Duplication.
Identifiers: ClinVar variation 3248248 (VCV003248248.1).